The following is an entry in ClinVar:

NM_016038.4(SBDS):c.149T>C (p.Val50Ala)

Gene: SBDS (SBDS ribosome maturation factor; minus strand). Cytogenetic location: 7q11.21.
Variant type: single nucleotide variant.
Coding change: c.149T>C on transcript NM_016038.4 (MANE Select); coding-DNA position 149, T replaced by C.
Protein change: p.Val50Ala; replaces valine 50 with alanine.
Molecular consequence: missense variant.
Genome position (GRCh38, 1-based): chr7:66,994,321, A>G on the plus strand (T>C on the coding strand, the complement: SBDS is on the minus strand). VCF-style: chr7-66994321-A-G. GRCh37 (hg19) VCF-style: chr7-66459308-A-G.
Other names: short protein forms V50A.
Identifiers: ClinVar variation 4159814 (VCV004159814.1).

ClinVar aggregate classification (germline): Uncertain significance (1 of 4 stars; one submission).

Conditions:
Inborn genetic diseases. Identifiers: MedGen C0950123, MeSH D030342.

Submission:

Ambry Genetics
Classification: Uncertain significance for Inborn genetic diseases. Last evaluated: 2025-07-28. Review status: criteria provided, single submitter. Criteria: Ambry Variant Classification Scheme 2023. Collection method: clinical testing. Allele origin: germline.
Comment: The p.V50A variant (also known as c.149T>C), located in coding exon 2 of the SBDS gene, results from a T to C substitution at nucleotide position 149. The valine at codon 50 is replaced by alanine, an amino acid with similar properties. This amino acid position is conserved. In addition, this alteration is predicted to be deleterious by in silico analysis. Based on the available evidence, the clinical significance of this variant remains unclear.